The following is an entry in ClinVar:

ClinVar aggregate classification (germline): Uncertain significance (1 of 4 stars; one submission).

Conditions:
CNTNAP5-related disorder. Also called: CNTNAP5-related condition.

gnomAD v4.1: 1 of 1,593,010 alleles (0.000063%); no homozygotes.

Submission:

PreventionGenetics, part of Exact Sciences
Classification: Uncertain significance for CNTNAP5-related condition. Last evaluated: 2024-12-06. Review status: criteria provided, single submitter. Criteria: ACMG Guidelines, 2015. Collection method: clinical testing. Allele origin: germline.
Comment: The CNTNAP5 c.3722G>A variant is predicted to result in the amino acid substitution p.Gly1241Glu. To our knowledge, this variant has not been reported in the literature or in a large population database (gnomAD), indicating this variant is rare. At this time, the clinical significance of this variant is uncertain due to the absence of conclusive functional and genetic evidence.

NM_001367498.1(CNTNAP5):c.3725G>A (p.Gly1242Glu)

Gene: CNTNAP5 (contactin associated protein family member 5; plus strand). Cytogenetic location: 2q14.3.
Variant type: single nucleotide variant.
Coding change: c.3725G>A on transcript NM_001367498.1 (MANE Select); coding-DNA position 3725, G replaced by A.
Protein change: p.Gly1242Glu; replaces glycine 1242 with glutamic acid.
Molecular consequence: missense variant.
Genome position (GRCh38, 1-based): chr2:124,911,536, G>A. VCF-style: chr2-124911536-G-A. GRCh37 (hg19) VCF-style: chr2-125669113-G-A.
Other names: c.3722G>A, p.Gly1241Glu (NM_130773.4); short protein forms G1241E, G1242E.
Identifiers: ClinVar variation 2631258 (VCV002631258.2), dbSNP rs2467590777, ClinGen allele CA348205232.